The following is an entry in ClinVar:

ClinVar aggregate classification (germline): Benign. Review status: criteria provided, multiple submitters, no conflicts (2 of 4 stars). 5 submissions from 5 submitters: Benign (3). 2 of the submissions do not count toward it. Last evaluated 2026-07-01.

Conditions:
Autoimmune interstitial lung disease-arthritis syndrome. Also called: Autoinflammation and autoimmunity, systemic, with immune dysregulation. Identifiers: Orphanet 444092, MedGen C5975714, MONDO:0014629.

Allele frequency attached by ClinVar (database versions not stated): gnomAD exomes 0.00033 and 0.00104; ExAC 0.00131; 1000 Genomes Project 0.00359; 1000 Genomes Project 30x 0.00375; gnomAD 0.00394 and 0.00427; TOPMed 0.00473; ESP Exome Variant Server 0.00492.
gnomAD v4.1: 1,124 of 1,613,692 alleles (0.07%); highest among the groups gnomAD compares: African/African-American, 1.3%; 14 homozygotes.

Submissions (5):

CeGaT Center for Human Genetics Tuebingen
Classification: Benign. Last evaluated: 2026-07-01. Review status: criteria provided, single submitter. Criteria: CeGaT Center For Human Genetics Tuebingen Variant Classification Criteria Version 2. Collection method: clinical testing. Allele origin: germline. Affected: yes. Observed: 4 variant alleles.
Comment: COPA: BP4, BS1, BS2

Women's Health and Genetics/Laboratory Corporation of America, LabCorp
Classification: Benign. Last evaluated: 2026-01-23. Review status: criteria provided, single submitter. Criteria: LabCorp Variant Classification Summary - May 2015. Collection method: clinical testing. Allele origin: germline.

Labcorp Genetics (formerly Invitae), Labcorp
Classification: Benign for Autoimmune interstitial lung disease-arthritis syndrome. Last evaluated: 2026-01-18. Review status: criteria provided, single submitter. Criteria: Invitae Variant Classification Sherloc (09022015). Collection method: clinical testing. Allele origin: germline.

Clinical Genetics DNA and cytogenetics Diagnostics Lab, Erasmus MC, Erasmus Medical Center
Classification: Benign. Review status: no assertion criteria provided. Collection method: clinical testing. Allele origin: germline. Affected: yes. Study: VKGL Data-share Consensus. Not counted in ClinVar's aggregate classification.

Genome Diagnostics Laboratory, University Medical Center Utrecht
Classification: Likely benign. Review status: no assertion criteria provided. Collection method: clinical testing. Allele origin: germline. Affected: yes. Study: VKGL Data-share Consensus. Not counted in ClinVar's aggregate classification.

NM_004371.4(COPA):c.2263+7A>G

Gene: COPA (coat protein complex I subunit alpha; minus strand). Cytogenetic location: 1q23.2.
Variant type: single nucleotide variant.
Coding change: c.2263+7A>G on transcript NM_004371.4 (MANE Select); 7 bases into the intron after coding-DNA position 2263, A replaced by G.
Molecular consequence: intron variant.
Genome position (GRCh38, 1-based): chr1:160,297,336, T>C on the plus strand (A>G on the coding strand, the complement: COPA is on the minus strand). VCF-style: chr1-160297336-T-C. GRCh37 (hg19) VCF-style: chr1-160267126-T-C.
Other names: c.2263+7A>G (LRG_1336t1); c.2290+7A>G (NM_001098398.2).
Identifiers: ClinVar variation 476023 (VCV000476023.38), dbSNP rs116596416, ClinGen allele CA1197938.